The following is an entry in ClinVar:

ClinVar aggregate classification (germline): Uncertain significance (1 of 4 stars; one submission).

gnomAD v4.1: 1 of 1,613,938 alleles (0.000062%); highest among the groups gnomAD compares: East Asian, 0.0022%; no homozygotes.

Submission:

Labcorp Genetics (formerly Invitae), Labcorp
Classification: Uncertain significance. Last evaluated: 2025-05-13. Review status: criteria provided, single submitter. Criteria: Invitae Variant Classification Sherloc (09022015). Collection method: clinical testing. Allele origin: germline.
Comment: This sequence change replaces serine, which is neutral and polar, with asparagine, which is neutral and polar, at codon 935 of the HYOU1 protein (p.Ser935Asn). This variant is present in population databases (rs782655698, gnomAD 0.006%). This variant has not been reported in the literature in individuals affected with HYOU1-related conditions. An algorithm developed to predict the effect of missense changes on protein structure and function outputs the following: PolyPhen-2: "Benign". The asparagine amino acid residue is found in multiple mammalian species, which suggests that this missense change does not adversely affect protein function. In summary, the available evidence is currently insufficient to determine the role of this variant in disease. Therefore, it has been classified as a Variant of Uncertain Significance.

NM_006389.5(HYOU1):c.2804G>A (p.Ser935Asn)

Gene: HYOU1 (hypoxia up-regulated 1; minus strand). Cytogenetic location: 11q23.3.
Variant type: single nucleotide variant.
Coding change: c.2804G>A on transcript NM_006389.5 (MANE Select); coding-DNA position 2804, G replaced by A.
Protein change: p.Ser935Asn; replaces serine 935 with asparagine.
Molecular consequence: missense variant.
Genome position (GRCh38, 1-based): chr11:119,046,594, C>T on the plus strand (G>A on the coding strand, the complement: HYOU1 is on the minus strand). VCF-style: chr11-119046594-C-T. GRCh37 (hg19) VCF-style: chr11-118917306-C-T.
Other names: c.2804G>A, p.Ser935Asn (NM_001130991.3, NM_001411041.1); short protein forms S935N.
Identifiers: ClinVar variation 4762501 (VCV004762501.1).
Genomic context (GRCh38, chr11:119,046,594, plus strand): 5'-AACATGCAGCCAGGTACCCTGTTCTCACCTGCTGGAGGGATGACCTTCTCCCCCTGGTCA[C>T]TGGCACTGGCATTGAGGGGTGGCTCTGCCCGGGTCCCATTCTTGTCCTTAGGCCGGGGCC-3'
Protein context (NP_006380.1, residues 925-945): RAEPPLNASA[Ser935Asn]DQGEKVIPPA